The following is an entry in ClinVar:

NM_022173.4(TIA1):c.538_541del (p.Asn180fs)

Gene: TIA1 (TIA1 cytotoxic granule associated RNA binding protein; minus strand). Cytogenetic location: 2p13.3.
Variant type: Microsatellite.
Coding change: c.538_541del on transcript NM_022173.4 (MANE Select); coding-DNA positions 538 to 541, 4 bases deleted (AACT; older notation c.538_541delAACT).
Protein change: p.Asn180fs; shifts the reading frame from asparagine 180.
Molecular consequence: frameshift variant. On other transcripts: non-coding transcript variant (17).
Genome position (GRCh38, 1-based): chr2:70,216,928-70,216,931, AGTT deleted on the plus strand (AACT on the coding strand, the reverse complement: TIA1 is on the minus strand); deleting any 4 consecutive bases within chr2:70,216,928-70,216,935 gives the same sequence; the c. name uses the placement nearest the transcript's 3' end. VCF-style (leftmost placement, unchanged base first): chr2-70216927-CAGTT-C. GRCh37 (hg19) VCF-style: chr2-70444059-CAGTT-C.
Other names: c.538_541del, p.Asn180fs (NM_001351508.2, NM_001351516.2, NM_001351518.2); c.511_514del, p.Asn171fs (NM_001351509.2); c.505_508del, p.Asn169fs (NM_001351510.2, NM_022037.4); c.427_430del, p.Asn143fs (NM_001351511.1); c.400_403del, p.Asn134fs (NM_001351512.1); c.394_397del, p.Asn132fs (NM_001351513.1); c.310_313del, p.Asn104fs (NM_001351514.2); c.235_238del, p.Asn79fs (NM_001351515.2); and 1 more; short protein forms N143fs, N169fs, N171fs, N79fs, N134fs, N104fs, N132fs, N180fs.
Identifiers: ClinVar variation 1493765 (VCV001493765.6), dbSNP rs2103953996, ClinGen allele CA2580611306.

ClinVar aggregate classification (germline): Uncertain significance (1 of 4 stars; one submission).

Conditions:
Welander distal myopathy (WDM). Also called: Gower's muscular dystrophy; MUSCULAR DYSTROPHY, DISTAL, LATE-ONSET, AUTOSOMAL DOMINANT; Welander distal myopathy, Swedish type; Distal myopathy, Swedish type. Identifiers: Orphanet 603, MedGen C0221054, MONDO:0011466, OMIM 604454.

Submission:

Labcorp Genetics (formerly Invitae), Labcorp
Classification: Uncertain significance for Welander distal myopathy. Last evaluated: 2021-07-28. Review status: criteria provided, single submitter. Criteria: Invitae Variant Classification Sherloc (09022015). Collection method: clinical testing. Allele origin: germline.
Comment: In summary, the available evidence is currently insufficient to determine the role of this variant in disease. Therefore, it has been classified as a Variant of Uncertain Significance. This sequence change creates a premature translational stop signal (p.Asn180Glyfs*26) in the TIA1 gene. It is expected to result in an absent or disrupted protein product. However, the current clinical and genetic evidence is not sufficient to establish whether loss-of-function variants in TIA1 cause disease. This variant is not present in population databases (ExAC no frequency). This variant has not been reported in the literature in individuals affected with TIA1-related conditions.